The following is an entry in ClinVar:

ClinVar aggregate classification (germline): Pathogenic (1 of 4 stars; one submission).

Conditions:
Blepharophimosis - intellectual disability syndrome, SBBYS type (SBBYSS). Also called: Say-Barber-Biesecker-Young-Simpson variant of Ohdo Syndrome; Say-Barber-Biesecker Variant of Ohdo Syndrome; Say-Barber-Biesecker variant of Ohdo syndrome (SBBYSS); Young Simpson syndrome; Mental retardation unusual facies hypothyroidism; Ohdo syndrome, SBBYS variant. Identifiers: Orphanet 3047, MedGen C1863557, MONDO:0011365, OMIM 603736.
Genitopatellar syndrome (GTPTS). Also called: Genitopatellar syndrome (GPS); ABSENT PATELLAE, SCROTAL HYPOPLASIA, RENAL ANOMALIES, FACIAL DYSMORPHISM, AND MENTAL RETARDATION. Identifiers: Orphanet 85201, MedGen C1853566, MONDO:0011640, OMIM 606170.

Submission:

Department Of Human Genetics, Institute Of Clinical And Translational Research, Biomedical Research Center, Slovak Academy Of Sciences
Classification: Pathogenic for Blepharophimosis - intellectual disability syndrome, SBBYS type; Genitopatellar syndrome. Review status: criteria provided, single submitter. Criteria: ACMG Guidelines, 2015. Collection method: research. Allele origin: de novo. Inheritance: Autosomal dominant inheritance. Affected: yes. Observed: 1 variant allele.
Comment: Our findings support that phenotypes associated with typical KAT6B disease-causing variants should be referred to as ‘KAT6B spectrum disorders’ or ‘KAT6B related disorders’, rather than their current SBBYSS and GTPTS classification.

Literature cited by the submitters: PubMed 27452416.

NM_012330.4(KAT6B):c.4592del (p.Asn1531fs)

Gene: KAT6B (lysine acetyltransferase 6B; plus strand). Cytogenetic location: 10q22.2.
Variant type: Deletion.
Coding change: c.4592del on transcript NM_012330.4 (MANE Select); coding-DNA position 4592, one base deleted (A; older notation c.4592delA).
Protein change: p.Asn1531fs; shifts the reading frame from asparagine 1531.
Molecular consequence: frameshift variant.
Genome position (GRCh38, 1-based): chr10:75,029,416, A deleted; the last of 3 consecutive A bases (chr10:75,029,414-75,029,416); deleting any one gives the same sequence. VCF-style (leftmost placement, unchanged base first): chr10-75029413-GA-G. GRCh37 (hg19) VCF-style: chr10-76789171-GA-G.
Other names: c.4592delA (NM_012330.4); c.4043del, p.Asn1348fs (NM_001256468.2, NM_001370138.1); c.3716del, p.Asn1239fs (NM_001256469.2, NM_001370139.1, NM_001370140.1 and 2 more transcripts); c.3554del, p.Asn1185fs (NM_001370132.1); c.2903del, p.Asn968fs (NM_001370133.1); c.2507del, p.Asn836fs (NM_001370134.1); c.2249del, p.Asn750fs (NM_001370135.1); c.4592del, p.Asn1531fs (NM_001370136.1, NM_001370137.1); and 1 more; short protein forms N1176fs, N1185fs, N1239fs, N1348fs, N1531fs, N750fs, N836fs, N968fs.
Identifiers: ClinVar variation 2683743 (VCV002683743.1), dbSNP rs2549203895, ClinGen allele CA2695212212.